The following is an entry in ClinVar:

NM_004656.4(BAP1):c.1339G>A (p.Val447Ile)

Gene: BAP1 (BRCA1 associated deubiquitinase 1; minus strand). Cytogenetic location: 3p21.1.
Variant type: single nucleotide variant.
Coding change: c.1339G>A on transcript NM_004656.4 (MANE Select); coding-DNA position 1339, G replaced by A.
Protein change: p.Val447Ile; replaces valine 447 with isoleucine.
Molecular consequence: missense variant.
Genome position (GRCh38, 1-based): chr3:52,403,806, C>T on the plus strand (G>A on the coding strand, the complement: BAP1 is on the minus strand). VCF-style: chr3-52403806-C-T. GRCh37 (hg19) VCF-style: chr3-52437822-C-T.
Other names: c.1339G>A (LRG_529t1); short protein forms V447I.
Identifiers: ClinVar variation 472665 (VCV000472665.40), dbSNP rs762654322, ClinGen allele CA2436819.
Genomic context (GRCh38, chr3:52,403,806, plus strand): 5'-TCTTGATGGACAGAGGAATTGAGAGGTCCTTCTGGGACTCTTTGAGCTTCTCAGCCAAGA[C>T]GTTGATGGTGTTGGGCTGCAGCACTGACAGTTGCCCATCAGCAGAACCGCTCAATGCCCC-3'
Protein context (NP_004647.1, residues 437-457): LSVLQPNTIN[Val447Ile]LAEKLKESQK

ClinVar aggregate classification (germline): Conflicting classifications of pathogenicity. Review status: criteria provided, conflicting classifications (1 of 4 stars). 9 submissions from 8 submitters: Uncertain significance (8); Likely benign (1). Last evaluated 2025-12-05.

Conditions:
BAP1-related disorder. Also called: BAP1-related condition.
BAP1-related tumor predisposition syndrome (TPDS1). Also called: Tumor susceptibility linked to germline BAP1 mutations; COMMON Syndrome; BAP1 tumor predisposition syndrome; TUMOR PREDISPOSITION SYNDROME 1. Identifiers: Orphanet 289539, MedGen C3280492, MONDO:0013692, OMIM 614327.
Kury-Isidor syndrome (KURIS). Identifiers: MedGen C5676925, MONDO:0859230, OMIM 619762.
Melanoma, uveal, susceptibility to, 2 (UVM2). Also called: Melanoma, uveal 2. Identifiers: Orphanet 39044, MedGen C1847723, MONDO:0011696, OMIM 606661.
Hereditary cancer-predisposing syndrome. Also called: Neoplastic Syndromes, Hereditary; Hereditary Cancer Syndrome; Tumor predisposition; Hereditary neoplastic syndrome. Identifiers: Orphanet 140162, MedGen C0027672, MeSH D009386, MONDO:0015356.

Allele frequency attached by ClinVar (database versions not stated): gnomAD exomes 0.00002; TOPMed 0.00002; gnomAD 0.00003; ExAC 0.00003.
gnomAD v4.1: 34 of 1,613,954 alleles (0.0021%); highest among the groups gnomAD compares: South Asian, 0.013%; no homozygotes.

Submissions (9):

Labcorp Genetics (formerly Invitae), Labcorp
Classification: Uncertain significance for BAP1-related tumor predisposition syndrome. Last evaluated: 2025-12-05. Review status: criteria provided, single submitter. Criteria: Invitae Variant Classification Sherloc (09022015). Collection method: clinical testing. Allele origin: germline.
Comment: This sequence change replaces valine, which is neutral and non-polar, with isoleucine, which is neutral and non-polar, at codon 447 of the BAP1 protein (p.Val447Ile). This variant is present in population databases (rs762654322, gnomAD 0.02%). This missense change has been observed in individual(s) with uveal melnaoma (PMID: 31058963). ClinVar contains an entry for this variant (Variation ID: 472665). Invitae Evidence Modeling of protein sequence and biophysical properties (such as structural, functional, and spatial information, amino acid conservation, physicochemical variation, residue mobility, and thermodynamic stability) indicates that this missense variant is not expected to disrupt BAP1 protein function with a negative predictive value of 80%. Experimental studies are conflicting or provide insufficient evidence to determine the effect of this variant on BAP1 function (PMID: 31058963). In summary, the available evidence is currently insufficient to determine the role of this variant in disease. Therefore, it has been classified as a Variant of Uncertain Significance.

PreventionGenetics, part of Exact Sciences
Classification: Uncertain significance for BAP1-related condition. Last evaluated: 2025-08-22. Review status: criteria provided, single submitter. Criteria: ACMG Guidelines, 2015. Collection method: clinical testing. Allele origin: germline.
Comment: The BAP1 c.1339G>A variant is predicted to result in the amino acid substitution p.Val447Ile. This variant has been reported in an individual with uveal melanoma, though functional analysis of the p.Val447Ile variant was inconclusive (Repo et al. 2019. PubMed ID: 31058963). This variant is reported in 0.020% of alleles in individuals of South Asian descent in gnomAD and has conflicting interpretations of pathogenicity in ClinVar ranging from uncertain to likely benign (Variation ID: 472665). Although we suspect that this variant may be benign, at this time, the clinical significance of this variant is uncertain due to the absence of conclusive functional and genetic evidence.

Quest Diagnostics Nichols Institute San Juan Capistrano
Classification: Uncertain significance. Last evaluated: 2024-04-29. Review status: criteria provided, single submitter. Criteria: Quest Diagnostics criteria. Collection method: clinical testing. Allele origin: unknown.
Comment: The BAP1 c.1339G>A (p.Val447Ile) variant has been reported in the published literature in an individual with uveal melanoma (PMID: 31058963 (2019)). A published functional study has reported that this variant does not affect BAP1 deubiquitinating activity and protein localization (PMID: 31058963 (2019)).The frequency of this variant in the general population, 0.000059 (4/68024 chromosomes (Genome Aggregation Database)), is uninformative in the assessment of its pathogenicity. Analysis of this variant using bioinformatics tools for the prediction of the effect of amino acid changes on protein structure and function yielded conflicting predictions that this variant is benign or damaging. Based on the available information, we are unable to determine the clinical significance of this variant.

Fulgent Genetics
Classification: Uncertain significance for Melanoma, uveal, susceptibility to, 2; BAP1-related tumor predisposition syndrome; Kury-Isidor syndrome. Last evaluated: 2024-04-14. Review status: criteria provided, single submitter. Criteria: ACMG Guidelines, 2015. Collection method: clinical testing. Allele origin: germline.

Baylor Genetics
Classification: Uncertain significance for BAP1-related tumor predisposition syndrome. Last evaluated: 2024-02-26. Review status: criteria provided, single submitter. Criteria: ACMG Guidelines, 2015. Collection method: clinical testing. Allele origin: unknown.

Ambry Genetics
Classification: Likely benign for Hereditary cancer-predisposing syndrome. Last evaluated: 2023-07-06. Review status: criteria provided, single submitter. Criteria: Ambry Variant Classification Scheme 2023. Collection method: clinical testing. Allele origin: germline.

Color Diagnostics, LLC DBA Color Health
Classification: Uncertain significance for Hereditary cancer-predisposing syndrome. Last evaluated: 2022-10-10. Review status: criteria provided, single submitter. Criteria: ACMG Guidelines, 2015. Collection method: clinical testing. Allele origin: germline.
Comment: This missense variant replaces valine with isoleucine at codon 447 of the BAP1 protein. Computational prediction suggests that this variant may not impact protein structure and function (internally defined REVEL score threshold <= 0.5, PMID: 27666373). A functional study has shown that the variant has no significant impact on the deubiquitinating enzyme activity or the protein cellular localization (PMID: 31058963). This variant has been reported in an individual affected with uveal melanoma (PMID: 31058963). This variant has also been identified in 6/251420 chromosomes in the general population by the Genome Aggregation Database (gnomAD). The available evidence is insufficient to determine the role of this variant in disease conclusively. Therefore, this variant is classified as a Variant of Uncertain Significance.

GeneDx
Classification: Uncertain significance. Last evaluated: 2022-06-21. Review status: criteria provided, single submitter. Criteria: GeneDx Variant Classification Process June 2021. Collection method: clinical testing. Allele origin: germline. Affected: yes.
Comment: In silico analysis supports that this missense variant does not alter protein structure/function; Observed in an individual with uveal melanoma (Repo 2019); Published functional studies demonstrate deubiquitination ability and protein localization similar to wildtype (Repo 2019); This variant is associated with the following publications: (PMID: 26423602, 31058963)

Fulgent Genetics
Classification: Uncertain significance for BAP1-related tumor predisposition syndrome. Last evaluated: 2018-10-31. Review status: criteria provided, single submitter. Criteria: ACMG Guidelines, 2015. Collection method: clinical testing. Allele origin: unknown.

Literature cited by the submitters: PubMed 31058963 (cited by 4 submitters); PubMed 30258054 (cited by Ambry Genetics).